The following is an entry in ClinVar:

ClinVar aggregate classification (germline): Uncertain significance (1 of 4 stars; one submission).

Conditions:
Atrial fibrillation, familial, 7 (ATFB7). Identifiers: MedGen C2677106, MONDO:0012828, OMIM 612240.

Allele frequency attached by ClinVar (database versions not stated): TOPMed 0.00002; gnomAD 0.00003 and 0.00004.

Submission:

Labcorp Genetics (formerly Invitae), Labcorp
Classification: Uncertain significance for Atrial fibrillation, familial, 7. Last evaluated: 2025-07-30. Review status: criteria provided, single submitter. Criteria: Invitae Variant Classification Sherloc (09022015). Collection method: clinical testing. Allele origin: germline.
Comment: This sequence change replaces arginine, which is basic and polar, with glutamine, which is neutral and polar, at codon 400 of the KCNA5 protein (p.Arg400Gln). This variant is present in population databases (no rsID available, gnomAD 0.01%). This variant has not been reported in the literature in individuals affected with KCNA5-related conditions. ClinVar contains an entry for this variant (Variation ID: 1012073). Invitae Evidence Modeling of protein sequence and biophysical properties (such as structural, functional, and spatial information, amino acid conservation, physicochemical variation, residue mobility, and thermodynamic stability) has been performed for this missense variant. However, the output from this modeling did not meet the statistical confidence thresholds required to predict the impact of this variant on KCNA5 protein function. In summary, the available evidence is currently insufficient to determine the role of this variant in disease. Therefore, it has been classified as a Variant of Uncertain Significance.

NM_002234.4(KCNA5):c.1199G>A (p.Arg400Gln)

Gene: KCNA5 (potassium voltage-gated channel subfamily A member 5; plus strand). Cytogenetic location: 12p13.32.
Variant type: single nucleotide variant.
Coding change: c.1199G>A on transcript NM_002234.4 (MANE Select); coding-DNA position 1199, G replaced by A.
Protein change: p.Arg400Gln; replaces arginine 400 with glutamine.
Molecular consequence: missense variant.
Genome position (GRCh38, 1-based): chr12:5,045,346, G>A. VCF-style: chr12-5045346-G-A. GRCh37 (hg19) VCF-style: chr12-5154512-G-A.
Other names: short protein forms R400Q.
Identifiers: ClinVar variation 1012073 (VCV001012073.8), dbSNP rs914933506, ClinGen allele CA231868638.